The following is an entry in ClinVar:

NM_020778.5(ALPK3):c.2198G>T (p.Gly733Val)

Gene: ALPK3 (alpha kinase 3; plus strand). Cytogenetic location: 15q25.3.
Variant type: single nucleotide variant.
Coding change: c.2198G>T on transcript NM_020778.5 (MANE Select); coding-DNA position 2198, G replaced by T.
Protein change: p.Gly733Val; replaces glycine 733 with valine.
Molecular consequence: missense variant.
Genome position (GRCh38, 1-based): chr15:84,856,936, G>T. VCF-style: chr15-84856936-G-T. GRCh37 (hg19) VCF-style: chr15-85400167-G-T.
Other names: short protein forms G733V.
Identifiers: ClinVar variation 2791230 (VCV002791230.3), dbSNP rs567079042, ClinGen allele CA393356301.

ClinVar aggregate classification (germline): Uncertain significance (1 of 4 stars; one submission).

Submission:

Labcorp Genetics (formerly Invitae), Labcorp
Classification: Uncertain significance. Last evaluated: 2023-07-19. Review status: criteria provided, single submitter. Criteria: Invitae Variant Classification Sherloc (09022015). Collection method: clinical testing. Allele origin: germline.
Comment: In summary, the available evidence is currently insufficient to determine the role of this variant in disease. Therefore, it has been classified as a Variant of Uncertain Significance. An algorithm developed to predict the effect of missense changes on protein structure and function (PolyPhen-2) suggests that this variant is likely to be tolerated. This variant has not been reported in the literature in individuals affected with ALPK3-related conditions. This variant is not present in population databases (gnomAD no frequency). This sequence change replaces glycine, which is neutral and non-polar, with valine, which is neutral and non-polar, at codon 935 of the ALPK3 protein (p.Gly935Val).